The following is an entry in ClinVar:

ClinVar aggregate classification (germline): Uncertain significance (1 of 4 stars; one submission).

Submission:

Labcorp Genetics (formerly Invitae), Labcorp
Classification: Uncertain significance. Last evaluated: 2024-01-04. Review status: criteria provided, single submitter. Criteria: Invitae Variant Classification Sherloc (09022015). Collection method: clinical testing. Allele origin: unknown.
Comment: A copy number gain of the genomic region encompassing the full coding sequence of the MATN3 gene has been identified. The boundaries of this event are unknown as they extend beyond the assayed region for this gene and therefore may encompass additional genes. As the precise location of this event is unknown, it may be in tandem or it may be located elsewhere in the genome. This variant has not been reported in the literature in individuals affected with MATN3-related conditions. In summary, the available evidence is currently insufficient to determine the role of this variant in disease. Therefore, it has been classified as a Variant of Uncertain Significance.

NC_000002.11:g.(?_20113319)_(20212392_?)dup

Genes: MATN3 (matrilin 3; minus strand), WDR35 (WD repeat domain 35; minus strand). Cytogenetic location: 2p24.1.
Variant type: Duplication.
Identifiers: ClinVar variation 3247507 (VCV003247507.1).